The following is an entry in ClinVar:

ClinVar aggregate classification (germline): Likely benign (1 of 4 stars; one submission).

gnomAD v4.1: 15 of 1,602,288 alleles (0.00094%); highest among the groups gnomAD compares: Admixed American, 0.012%; no homozygotes.

Submission:

CeGaT Center for Human Genetics Tuebingen
Classification: Likely benign. Last evaluated: 2025-06-01. Review status: criteria provided, single submitter. Criteria: CeGaT Center For Human Genetics Tuebingen Variant Classification Criteria Version 2. Collection method: clinical testing. Allele origin: germline. Affected: yes. Observed: 1 variant allele.
Comment: PRR12: BP4, BP7

NM_020719.3(PRR12):c.1581C>T (p.Ala527=)

Gene: PRR12 (proline rich 12; plus strand). Cytogenetic location: 19q13.33.
Variant type: single nucleotide variant.
Coding change: c.1581C>T on transcript NM_020719.3 (MANE Select); coding-DNA position 1581, C replaced by T.
Protein change: p.Ala527=; no amino-acid change (alanine 527 retained).
Molecular consequence: synonymous variant.
Genome position (GRCh38, 1-based): chr19:49,595,916, C>T. VCF-style: chr19-49595916-C-T. GRCh37 (hg19) VCF-style: chr19-50099173-C-T.
Identifiers: ClinVar variation 3906041 (VCV003906041.10).
Genomic context (GRCh38, chr19:49,595,916, plus strand): 5'-TGGGGTGCAGGGCGAGCCATACCCAGGGCCAGCCGCCCACTCCCAGGGGCTGCCCACAGC[C>T]AGCCCCTCGCTCAGCTACAGTACCGGCCATTCCCCAGCGCTCTCGGGCCATGGGGGTGGC-3'
Protein context (NP_065770.1, residues 517-537): PAAHSQGLPT[Ala527=]SPSLSYSTGH